The following is an entry in ClinVar:

ClinVar aggregate classification (germline): Uncertain significance. Review status: criteria provided, multiple submitters, no conflicts (2 of 4 stars). 2 submissions from 2 submitters: Uncertain significance (2). Last evaluated 2022-07-12.

Conditions:
Walker-Warburg congenital muscular dystrophy. Also called: Muscular dystrophy-dystroglycanopathy, type A; Walker-Warburg syndrome. Identifiers: Orphanet 899, MedGen C0265221, MONDO:0000171.

Submissions (2):

Labcorp Genetics (formerly Invitae), Labcorp
Classification: Uncertain significance for Walker-Warburg congenital muscular dystrophy. Last evaluated: 2022-07-12. Review status: criteria provided, single submitter. Criteria: Invitae Variant Classification Sherloc (09022015). Collection method: clinical testing. Allele origin: germline.
Comment: This variant has not been reported in the literature in individuals affected with FKRP-related conditions. ClinVar contains an entry for this variant (Variation ID: 289472). Algorithms developed to predict the effect of missense changes on protein structure and function are either unavailable or do not agree on the potential impact of this missense change (SIFT: "Deleterious"; PolyPhen-2: "Probably Damaging"; Align-GVGD: "Class C0"). In summary, the available evidence is currently insufficient to determine the role of this variant in disease. Therefore, it has been classified as a Variant of Uncertain Significance. This variant is not present in population databases (gnomAD no frequency). This sequence change replaces glycine, which is neutral and non-polar, with glutamic acid, which is acidic and polar, at codon 132 of the FKRP protein (p.Gly132Glu).

Eurofins Ntd Llc (ga)
Classification: Uncertain significance. Last evaluated: 2016-07-15. Review status: criteria provided, single submitter. Criteria: EGL Classification Definitions 2015. Collection method: clinical testing. Allele origin: germline. Observed: 1 variant allele, 1 heterozygote.

NM_024301.5(FKRP):c.395G>A (p.Gly132Glu)

Gene: FKRP (fukutin related protein; plus strand). Cytogenetic location: 19q13.32.
Variant type: single nucleotide variant.
Coding change: c.395G>A on transcript NM_024301.5 (MANE Select); coding-DNA position 395, G replaced by A.
Protein change: p.Gly132Glu; replaces glycine 132 with glutamic acid.
Molecular consequence: missense variant.
Genome position (GRCh38, 1-based): chr19:46,755,845, G>A. VCF-style: chr19-46755845-G-A. GRCh37 (hg19) VCF-style: chr19-47259102-G-A.
Other names: c.395G>A, p.Gly132Glu (NM_001039885.3); short protein forms G132E.
Identifiers: ClinVar variation 289472 (VCV000289472.14), dbSNP rs755588907, ClinGen allele CA10606451.
Genomic context (GRCh38, chr19:46,755,845, plus strand): 5'-CCGCAGCCTCGCGCCCGGAGACCTACGTGGCCACCGAGTTTGTGGCCCTAGTACCTGATG[G>A]GGCGCGGGCTGAGGCACCTGGCCTGCTGGAGCGCATGGTGGAGGCGCTCCGCGCAGGAAG-3'
Protein context (NP_077277.1, residues 122-142): ATEFVALVPD[Gly132Glu]ARAEAPGLLE